The following is an entry in ClinVar:

ClinVar aggregate classification (germline): Uncertain significance (1 of 4 stars; one submission).

Conditions:
Angelman syndrome (AS). Also called: HAPPY PUPPET SYNDROME. Identifiers: Orphanet 72, MedGen C0162635, MONDO:0007113, OMIM 105830. Disease mechanism: loss of function. Inheritance: AS is caused by disruption of maternally imprinted UBE3A located within the 15q11.2-q13 Angelman syndrome/Prader-Willi syndrome (AS/PWS) region., imprinting disorder.

Submission:

Labcorp Genetics (formerly Invitae), Labcorp
Classification: Uncertain significance for Angelman syndrome. Last evaluated: 2022-06-13. Review status: criteria provided, single submitter. Criteria: Invitae Variant Classification Sherloc (09022015). Collection method: clinical testing. Allele origin: germline.
Comment: This sequence change replaces leucine with phenylalanine at codon 224 of the UBE3A protein (p.Leu224Phe). The leucine residue is highly conserved and there is a small physicochemical difference between leucine and phenylalanine. This variant is not present in population databases (gnomAD no frequency). This variant has not been reported in the literature in individuals affected with UBE3A-related conditions. Algorithms developed to predict the effect of missense changes on protein structure and function are either unavailable or do not agree on the potential impact of this missense change (SIFT: "Not Available"; PolyPhen-2: "Benign"; Align-GVGD: "Not Available"). In summary, the available evidence is currently insufficient to determine the role of this variant in disease. Therefore, it has been classified as a Variant of Uncertain Significance.

NM_130839.5(UBE3A):c.730C>T (p.Leu244Phe)

Genes: SNHG14 (small nucleolar RNA host gene 14; plus strand), UBE3A (ubiquitin protein ligase E3A; minus strand). Cytogenetic location: 15q11.2.
Variant type: single nucleotide variant.
Coding change: c.730C>T on transcript NM_130839.5 (MANE Select); coding-DNA position 730, C replaced by T.
Protein change: p.Leu244Phe; replaces leucine 244 with phenylalanine.
Molecular consequence: missense variant. On other transcripts: non-coding transcript variant (1), intron variant (2).
Genome position (GRCh38, 1-based): chr15:25,371,444, G>A on the plus strand (C>T on the coding strand, the complement: UBE3A is on the minus strand). VCF-style: chr15-25371444-G-A. GRCh37 (hg19) VCF-style: chr15-25616591-G-A.
Other names: c.739C>T, p.Leu247Phe (NM_000462.5); c.730C>T, p.Leu244Phe (NM_001354505.1, NM_001354538.2, NM_001354545.2); c.670C>T, p.Leu224Phe (NM_001354506.2, NM_001354507.2, NM_001354508.2 and 17 more transcripts); c.301+4021C>T (NM_001354551.2); c.361+4021C>T (NM_001354550.2); c.553C>T, p.Leu185Phe (NM_001354546.2); short protein forms L224F, L244F, L247F, L185F.
Identifiers: ClinVar variation 1388096 (VCV001388096.6), dbSNP rs2152822674, ClinGen allele CA391355198.
Genomic context (GRCh38, chr15:25,371,444, plus strand): 5'-CGTTAGGTGACAAATATACAAGTGCATTGAGAAAGGCAGTTTCAATTTTTTCATTAGAGA[G>A]CAATCTGGTGTAGACCCTTCTAATGGCATCAATATCCACAGACACATCATCAGGGCCTAA-3'
Protein context (NP_570854.1, residues 234-254): DAIRRVYTRL[Leu244Phe]SNEKIETAFL